The following is an entry in ClinVar:

ClinVar aggregate classification (germline): Benign (1 of 4 stars; one submission).

Allele frequency attached by ClinVar (database versions not stated): 1000 Genomes Project 30x 0.00172; gnomAD exomes 0.00222; gnomAD 0.00237 and 0.00257; TOPMed 0.00331; 1000 Genomes Project 0.00220.
gnomAD v4.1: 561 of 227,378 alleles (0.25%); highest among the groups gnomAD compares: Middle Eastern, 1.1%; 3 homozygotes.

Submission:

CeGaT Center for Human Genetics Tuebingen
Classification: Benign. Last evaluated: 2022-07-01. Review status: criteria provided, single submitter. Criteria: CeGaT Center For Human Genetics Tuebingen Variant Classification Criteria Version 2. Collection method: clinical testing. Allele origin: germline. Affected: yes. Observed: 1 variant allele.
Comment: NEXN: BS1, BS2

NM_144573.4(NEXN):c.*414A>C

Gene: NEXN (nexilin F-actin binding protein; plus strand). Cytogenetic location: 1p31.1.
Variant type: single nucleotide variant.
Coding change: c.*414A>C on transcript NM_144573.4 (MANE Select); 414 bases downstream of the stop codon, A replaced by C.
Molecular consequence: 3 prime UTR variant.
Genome position (GRCh38, 1-based): chr1:77,943,243, A>C. VCF-style: chr1-77943243-A-C. GRCh37 (hg19) VCF-style: chr1-78408928-A-C.
Other names: c.*414A>C (NM_001172309.2).
Identifiers: ClinVar variation 2638893 (VCV002638893.24), dbSNP rs1359518, ClinGen allele CA10610388.